The following is an entry in ClinVar:

ClinVar aggregate classification (germline): Uncertain significance (1 of 4 stars; one submission).

Submission:

Labcorp Genetics (formerly Invitae), Labcorp
Classification: Uncertain significance. Last evaluated: 2022-03-02. Review status: criteria provided, single submitter. Criteria: Invitae Variant Classification Sherloc (09022015). Collection method: clinical testing. Allele origin: germline.
Comment: Algorithms developed to predict the effect of sequence changes on RNA splicing suggest that this variant may create or strengthen a splice site. Algorithms developed to predict the effect of missense changes on protein structure and function (SIFT, PolyPhen-2, Align-GVGD) all suggest that this variant is likely to be tolerated. This variant has not been reported in the literature in individuals affected with DEF6-related conditions. This variant is not present in population databases (gnomAD no frequency). This sequence change replaces glutamic acid, which is acidic and polar, with valine, which is neutral and non-polar, at codon 380 of the DEF6 protein (p.Glu380Val). In summary, the available evidence is currently insufficient to determine the role of this variant in disease. Therefore, it has been classified as a Variant of Uncertain Significance.

NM_022047.4(DEF6):c.1139A>T (p.Glu380Val)

Gene: DEF6 (DEF6 guanine nucleotide exchange factor; plus strand). Cytogenetic location: 6p21.31.
Variant type: single nucleotide variant.
Coding change: c.1139A>T on transcript NM_022047.4 (MANE Select); coding-DNA position 1139, A replaced by T.
Protein change: p.Glu380Val; replaces glutamic acid 380 with valine.
Molecular consequence: missense variant.
Genome position (GRCh38, 1-based): chr6:35,318,395, A>T. VCF-style: chr6-35318395-A-T. GRCh37 (hg19) VCF-style: chr6-35286172-A-T.
Other names: short protein forms E380V.
Identifiers: ClinVar variation 1358047 (VCV001358047.6), dbSNP rs2150388894, ClinGen allele CA363767057.